The following is an entry in ClinVar:

NM_001042492.3(NF1):c.3975-11_3978del

Gene: NF1 (neurofibromin 1; plus strand). Cytogenetic location: 17q11.2.
Variant type: Deletion.
Coding change: c.3975-11_3978del on transcript NM_001042492.3 (MANE Select); 11 bases into the intron before coding-DNA position 3975 through coding-DNA position 3978, 15 bases deleted (TTTTTTTGTAGGTTA).
Molecular consequence: splice acceptor variant.
Genome position (GRCh38, 1-based): chr17:31,248,973-31,248,987, TTTTTTTGTAGGTTA deleted; deleting any 15 consecutive bases within chr17:31,248,970-31,248,987 gives the same sequence; the c. name uses the placement nearest the transcript's 3' end. VCF-style (leftmost placement, unchanged base first): chr17-31248969-TTTATTTTTTTGTAGG-T. GRCh37 (hg19) VCF-style: chr17-29575987-TTTATTTTTTTGTAGG-T.
Other names: c.3975-11_3978del (NM_000267.4).
Identifiers: ClinVar variation 2765821 (VCV002765821.3), dbSNP rs2508350443, ClinGen allele CA2697559767.

ClinVar aggregate classification (germline): Likely pathogenic (1 of 4 stars; one submission).

Conditions:
Neurofibromatosis, type 1 (NF1). Also called: VON RECKLINGHAUSEN DISEASE; Neurofibromatosis, type I; NEUROFIBROMATOSIS, TYPE I, SOMATIC; Peripheral type neurofibromatosis. Identifiers: Orphanet 636, MedGen C0027831, MONDO:0018975, OMIM 162200. Disease mechanism: loss of function.

Submission:

Labcorp Genetics (formerly Invitae), Labcorp
Classification: Likely pathogenic for Neurofibromatosis, type 1. Last evaluated: 2023-11-01. Review status: criteria provided, single submitter. Criteria: Invitae Variant Classification Sherloc (09022015). Collection method: clinical testing. Allele origin: germline.
Comment: This variant results in the deletion of part of exon 30 (c.3975-11_3978del) of the NF1 gene. It is expected to disrupt RNA splicing. Variants that disrupt the donor or acceptor splice site typically lead to a loss of protein function (PMID: 16199547), and loss-of-function variants in NF1 are known to be pathogenic (PMID: 10712197, 23913538). This variant is not present in population databases (gnomAD no frequency). This variant has not been reported in the literature in individuals affected with NF1-related conditions. In summary, the currently available evidence indicates that the variant is pathogenic, but additional data are needed to prove that conclusively. Therefore, this variant has been classified as Likely Pathogenic.

Literature cited by the submitters: PubMed 16199547; PubMed 10712197; PubMed 23913538.